The following is an entry in ClinVar:

ClinVar aggregate classification (germline): Uncertain significance (1 of 4 stars; one submission).

Conditions:
Kufor-Rakeb syndrome (KRS). Also called: PARKINSON DISEASE 9, AUTOSOMAL RECESSIVE, JUVENILE-ONSET. Identifiers: Orphanet 306674, Orphanet 314632, MedGen C1847640, MONDO:0011706, OMIM 606693.
Autosomal recessive spastic paraplegia type 78. Identifiers: Orphanet 513436, MedGen C5567893, MONDO:0014975, OMIM 617225.

Submission:

Labcorp Genetics (formerly Invitae), Labcorp
Classification: Uncertain significance for Kufor-Rakeb syndrome; Autosomal recessive spastic paraplegia type 78. Last evaluated: 2022-09-19. Review status: criteria provided, single submitter. Criteria: Invitae Variant Classification Sherloc (09022015). Collection method: clinical testing. Allele origin: germline.
Comment: Advanced modeling of protein sequence and biophysical properties (such as structural, functional, and spatial information, amino acid conservation, physicochemical variation, residue mobility, and thermodynamic stability) performed at Invitae indicates that this missense variant is not expected to disrupt ATP13A2 protein function. In summary, the available evidence is currently insufficient to determine the role of this variant in disease. Therefore, it has been classified as a Variant of Uncertain Significance. ClinVar contains an entry for this variant (Variation ID: 1490725). This variant has not been reported in the literature in individuals affected with ATP13A2-related conditions. This variant is not present in population databases (gnomAD no frequency). This sequence change replaces arginine, which is basic and polar, with proline, which is neutral and non-polar, at codon 1153 of the ATP13A2 protein (p.Arg1153Pro).

NM_022089.4(ATP13A2):c.3458G>C (p.Arg1153Pro)

Gene: ATP13A2 (ATPase cation transporting 13A2; minus strand). Cytogenetic location: 1p36.13.
Variant type: single nucleotide variant.
Coding change: c.3458G>C on transcript NM_022089.4 (MANE Select); coding-DNA position 3458, G replaced by C.
Protein change: p.Arg1153Pro; replaces arginine 1153 with proline.
Molecular consequence: missense variant. On other transcripts: synonymous variant (1).
Genome position (GRCh38, 1-based): chr1:16,986,306, C>G on the plus strand (G>C on the coding strand, the complement: ATP13A2 is on the minus strand). VCF-style: chr1-16986306-C-G. GRCh37 (hg19) VCF-style: chr1-17312801-C-G.
Other names: c.3443G>C, p.Arg1148Pro (NM_001141973.3); c.3156G>C, p.Ala1052= (NM_001141974.3); short protein forms R1153P, R1148P.
Identifiers: ClinVar variation 1490725 (VCV001490725.6), dbSNP rs772666861, ClinGen allele CA338232399.